The following is an entry in ClinVar:

NM_000746.6(CHRNA7):c.334A>G (p.Ile112Val)

Gene: CHRNA7 (cholinergic receptor nicotinic alpha 7 subunit). Cytogenetic location: 15q13.3.
Variant type: single nucleotide variant.
Coding change: c.334A>G on transcript NM_000746.6 (MANE Select); coding-DNA position 334, A replaced by G.
Protein change: p.Ile112Val; replaces isoleucine 112 with valine.
Molecular consequence: missense variant.
Genome position (GRCh38, 1-based): chr15:32,111,883, A>G. VCF-style: chr15-32111883-A-G. GRCh37 (hg19) VCF-style: chr15-32404084-A-G.
Other names: c.421A>G, p.Ile141Val (NM_001190455.3); short protein forms I141V, I112V.
Identifiers: ClinVar variation 778523 (VCV000778523.6), dbSNP rs140842241, ClinGen allele CA7454196.

ClinVar aggregate classification (germline): Likely benign. Review status: criteria provided, single submitter (1 of 4 stars). 2 submissions from 2 submitters: Likely benign (1). 1 of the submissions does not count toward it. Last evaluated 2019-12-31.

Conditions:
CHRNA7-related disorder. Also called: CHRNA7-related condition.

Allele frequency attached by ClinVar (database versions not stated): gnomAD exomes 0.00028; ExAC 0.00034; 1000 Genomes Project 0.00080; gnomAD 0.00096 and 0.00105; 1000 Genomes Project 30x 0.00109; TOPMed 0.00120; ESP Exome Variant Server 0.00146.
gnomAD v4.1: 312 of 1,604,502 alleles (0.019%); highest among the groups gnomAD compares: African/African-American, 0.37%; no homozygotes.

Submissions (2):

Labcorp Genetics (formerly Invitae), Labcorp
Classification: Likely benign. Last evaluated: 2019-12-31. Review status: criteria provided, single submitter. Criteria: Invitae Variant Classification Sherloc (09022015). Collection method: clinical testing. Allele origin: germline.

PreventionGenetics, part of Exact Sciences
Classification: Likely benign for CHRNA7-related condition. Last evaluated: 2022-10-04. Review status: no assertion criteria provided. Collection method: clinical testing. Allele origin: germline. Not counted in ClinVar's aggregate classification.
Comment: This variant is classified as likely benign based on ACMG/AMP sequence variant interpretation guidelines (Richards et al. 2015 PMID: 25741868, with internal and published modifications).